The following is an entry in ClinVar:

ClinVar aggregate classification (germline): Conflicting classifications of pathogenicity. Review status: criteria provided, conflicting classifications (1 of 4 stars). 2 submissions from 2 submitters: Uncertain significance (1); Likely benign (1). Last evaluated 2025-07-06.

Conditions:
Xeroderma pigmentosum (XP). Identifiers: Orphanet 910, MedGen C0043346, MONDO:0019600.

Allele frequency attached by ClinVar (database versions not stated): TOPMed below 0.00001; gnomAD 0.00001.
gnomAD v4.1: 1 of 1,613,492 alleles (0.000062%); highest among the groups gnomAD compares: African/African-American, 0.0013%; no homozygotes.

Submissions (2):

Labcorp Genetics (formerly Invitae), Labcorp
Classification: Likely benign. Last evaluated: 2025-07-06. Review status: criteria provided, single submitter. Criteria: Invitae Variant Classification Sherloc (09022015). Collection method: clinical testing. Allele origin: germline.

Sema4
Classification: Uncertain significance for Xeroderma pigmentosum. Last evaluated: 2021-09-03. Review status: criteria provided, single submitter. Criteria: Sema4 Curation Guidelines. Collection method: curation. Allele origin: germline.
Comment: The ERCC2 c.1832-7C>T variant has not been reported in the literature to our knowledge. It was observed in 1/8678 chromosomes of the African/African American subpopulation in the large and broad cohorts of the Genome Aggregation Database (PMID: 32461654). The variant has not been reported in ClinVar. In silico tools suggest the variant may not disrupt normal splicing, however these predictions have not been confirmed by transcriptional studies. The evidence is insufficient to meet ACMG/AMP criteria for classifying the variant as benign or pathogenic. Thus, the clinical significance of this variant is currently uncertain.

NM_000400.4(ERCC2):c.1832-7C>T

Gene: ERCC2 (ERCC excision repair 2, TFIIH core complex helicase subunit; minus strand). Cytogenetic location: 19q13.32.
Variant type: single nucleotide variant.
Coding change: c.1832-7C>T on transcript NM_000400.4 (MANE Select); 7 bases into the intron before coding-DNA position 1832, C replaced by T.
Molecular consequence: intron variant.
Genome position (GRCh38, 1-based): chr19:45,352,823, G>A on the plus strand (C>T on the coding strand, the complement: ERCC2 is on the minus strand). VCF-style: chr19-45352823-G-A. GRCh37 (hg19) VCF-style: chr19-45856081-G-A.
Identifiers: ClinVar variation 1593670 (VCV001593670.9), dbSNP rs1410724947, ClinGen allele CA633480443.